The following is an entry in ClinVar:

ClinVar aggregate classification (germline): Pathogenic (1 of 4 stars; one submission).

Conditions:
Familial thoracic aortic aneurysm and aortic dissection (TAAD). Also called: Thoracic aortic aneurysms and dissections. Identifiers: Orphanet 91387, MedGen C4707243, MONDO:0019625.
Marfan syndrome (MFS). Also called: Marfan syndrome type 1; Marfan syndrome, classic; Marfan's syndrome; FBN1-Related Marfan Syndrome; MARFAN SYNDROME, TYPE I. Identifiers: Orphanet 284963, Orphanet 558, MedGen C0024796, MONDO:0007947, OMIM 154700.

Submission:

Labcorp Genetics (formerly Invitae), Labcorp
Classification: Pathogenic for Marfan syndrome; Familial thoracic aortic aneurysm and aortic dissection. Last evaluated: 2019-07-22. Review status: criteria provided, single submitter. Criteria: Invitae Variant Classification Sherloc (09022015). Collection method: clinical testing. Allele origin: germline.
Comment: This variant affects a cysteine residue located within an epidermal-growth-factor (EGF)–like domain of the FBN1 protein. Cysteine residues in these domains have been shown to be involved in the formation of disulfide bridges, which are critical for FBN1 protein structure and stability (PMID: 10486319, 3495735, 4750422, 16677079). In addition, missense substitutions within the FBN1 EGF-like domains affecting cysteine residues are significantly overrepresented among patients with Marfan syndrome (PMID: 16571647, 17701892). This variant has been reported in individuals affected with FBN1-related disease (PMID: 26787436, Invitae). This variant is not present in population databases (ExAC no frequency). This sequence change replaces cysteine with arginine at codon 2652 of the FBN1 protein (p.Cys2652Arg). The cysteine residue is highly conserved and there is a large physicochemical difference between cysteine and arginine. For these reasons, this variant has been classified as Pathogenic.

Literature cited by the submitters: PubMed 10486319; PubMed 3495735; PubMed 4750422; PubMed 16677079; PubMed 16571647; PubMed 17701892; PubMed 26787436.

NM_000138.5(FBN1):c.7954T>C (p.Cys2652Arg)

Gene: FBN1 (fibrillin 1; minus strand). Cytogenetic location: 15q21.1.
Variant type: single nucleotide variant.
Coding change: c.7954T>C on transcript NM_000138.5 (MANE Select); coding-DNA position 7954, T replaced by C.
Protein change: p.Cys2652Arg; replaces cysteine 2652 with arginine.
Molecular consequence: missense variant.
Genome position (GRCh38, 1-based): chr15:48,415,633, A>G on the plus strand (T>C on the coding strand, the complement: FBN1 is on the minus strand). VCF-style: chr15-48415633-A-G. GRCh37 (hg19) VCF-style: chr15-48707830-A-G.
Other names: short protein forms C2652R.
Identifiers: ClinVar variation 527194 (VCV000527194.10), dbSNP rs1555393858, ClinGen allele CA392322971.